The following is an entry in ClinVar:

NM_002471.4(MYH6):c.-2A>G

Genes: MYH6 (myosin heavy chain 6; minus strand), LOC114827851 (VISTA enhancer hs2155; plus strand). Cytogenetic location: 14q11.2.
Variant type: single nucleotide variant.
Coding change: c.-2A>G on transcript NM_002471.4 (MANE Select); 2 bases upstream of the start codon, A replaced by G.
Molecular consequence: 5 prime UTR variant.
Genome position (GRCh38, 1-based): chr14:23,407,225, T>C on the plus strand (A>G on the coding strand, the complement: MYH6 is on the minus strand). VCF-style: chr14-23407225-T-C. GRCh37 (hg19) VCF-style: chr14-23876434-T-C.
Identifiers: ClinVar variation 3222331 (VCV003222331.1), dbSNP rs143563109, ClinGen allele CA7116279.

ClinVar aggregate classification (germline): Uncertain significance (1 of 4 stars; one submission).

Conditions:
Cardiovascular phenotype. Identifiers: MedGen CN230736.

Allele frequency attached by ClinVar (database versions not stated): gnomAD 0.00001.
gnomAD v4.1: 1 of 1,614,102 alleles (0.000062%); highest among the groups gnomAD compares: African/African-American, 0.0013%; no homozygotes.

Submission:

Ambry Genetics
Classification: Uncertain significance for Cardiovascular phenotype. Last evaluated: 2023-11-28. Review status: criteria provided, single submitter. Criteria: Ambry Variant Classification Scheme 2023. Collection method: clinical testing. Allele origin: germline.
Comment: The c.-2A>G variant is located in the 5' untranslated region (5&rsquo; UTR) of the MYH6 gene. This variant results from an A to G substitution 2 nucleotides upstream from the first translated codon. This nucleotide position is not well conserved in available vertebrate species. Since supporting evidence is limited at this time, the clinical significance of this alteration remains unclear.